The following is an entry in ClinVar:

NM_138691.3(TMC1):c.64+2T>C

Gene: TMC1 (transmembrane channel like 1; plus strand). Cytogenetic location: 9q21.13.
Variant type: single nucleotide variant.
Coding change: c.64+2T>C on transcript NM_138691.3 (MANE Select); the canonical splice donor site of the intron after coding-DNA position 64, T replaced by C.
Molecular consequence: splice donor variant.
Genome position (GRCh38, 1-based): chr9:72,688,758, T>C. VCF-style: chr9-72688758-T-C. GRCh37 (hg19) VCF-style: chr9-75303674-T-C.
Identifiers: ClinVar variation 2735275 (VCV002735275.3), dbSNP rs1300268466, ClinGen allele CA373723334.

ClinVar aggregate classification (germline): Pathogenic (1 of 4 stars; one submission).

Allele frequency attached by ClinVar (database versions not stated): TOPMed below 0.00001; gnomAD 0.00001.
gnomAD v4.1: 16 of 1,610,758 alleles (0.00099%); highest among the groups gnomAD compares: Non-Finnish European, 0.0014%; no homozygotes.

Submission:

Labcorp Genetics (formerly Invitae), Labcorp
Classification: Pathogenic. Last evaluated: 2023-11-17. Review status: criteria provided, single submitter. Criteria: Invitae Variant Classification Sherloc (09022015). Collection method: clinical testing. Allele origin: germline.
Comment: This sequence change affects a donor splice site in intron 6 of the TMC1 gene. It is expected to disrupt RNA splicing. Variants that disrupt the donor or acceptor splice site typically lead to a loss of protein function (PMID: 16199547), and loss-of-function variants in TMC1 are known to be pathogenic (PMID: 11850618, 22105175). The frequency data for this variant in the population databases is considered unreliable, as metrics indicate poor data quality at this position in the gnomAD database. Disruption of this splice site has been observed in individual(s) with autosomal recessive deafness (PMID: 19187973). It has also been observed to segregate with disease in related individuals. Algorithms developed to predict the effect of sequence changes on RNA splicing suggest that this variant may disrupt the consensus splice site. For these reasons, this variant has been classified as Pathogenic.

Literature cited by the submitters: PubMed 16199547; PubMed 11850618; PubMed 22105175; PubMed 19187973.